The following is an entry in ClinVar:

NM_002382.5(MAX):c.287A>T (p.Glu96Val)

Gene: MAX (MYC associated transcriptional regulator X; minus strand). Cytogenetic location: 14q23.3.
Variant type: single nucleotide variant.
Coding change: c.287A>T on transcript NM_002382.5 (MANE Select); coding-DNA position 287, A replaced by T.
Protein change: p.Glu96Val; replaces glutamic acid 96 with valine.
Molecular consequence: missense variant. On other transcripts: 5 prime UTR variant (2), non-coding transcript variant (7), intron variant (2).
Genome position (GRCh38, 1-based): chr14:65,077,921, T>A on the plus strand (A>T on the coding strand, the complement: MAX is on the minus strand). VCF-style: chr14-65077921-T-A. GRCh37 (hg19) VCF-style: chr14-65544639-T-A.
Other names: c.13A>T, p.Ser5Cys (NM_001320415.2, NM_001407105.1, NM_001407106.1 and 1 more transcripts); c.287A>T, p.Glu96Val (NM_001407094.1, NM_001407096.1, NM_001407097.1 and 3 more transcripts); c.260A>T, p.Glu87Val (NM_001407095.1, NM_001407099.1, NM_001407100.1 and 6 more transcripts); c.179A>T, p.Glu60Val (NM_001407098.1); c.-81A>T (NM_001407111.1, NM_001407112.1); c.144+15787A>T (NM_001271069.2); c.171+15787A>T (NM_197957.4); short protein forms E60V, E96V, S5C, E87V.
Identifiers: ClinVar variation 5023934 (VCV005023934.1).

ClinVar aggregate classification (germline): Uncertain significance (1 of 4 stars; one submission).

Conditions:
Hereditary cancer-predisposing syndrome. Also called: Neoplastic Syndromes, Hereditary; Tumor predisposition; Hereditary neoplastic syndrome; Hereditary Cancer Syndrome. Identifiers: Orphanet 140162, MedGen C0027672, MeSH D009386, MONDO:0015356.

Submission:

Ambry Genetics
Classification: Uncertain significance for Hereditary cancer-predisposing syndrome. Last evaluated: 2026-07-07. Review status: criteria provided, single submitter. Criteria: Ambry Variant Classification Scheme 2023. Collection method: clinical testing. Allele origin: germline.
Comment: The p.E96V variant (also known as c.287A>T), located in coding exon 4 of the MAX gene, results from an A to T substitution at nucleotide position 287. The glutamic acid at codon 96 is replaced by valine, an amino acid with dissimilar properties. This amino acid position is conserved. In addition, this alteration is predicted to be deleterious by in silico analysis. Based on the available evidence, the clinical significance of this variant remains unclear.